The following is an entry in ClinVar:

ClinVar aggregate classification (germline): Likely benign (1 of 4 stars; one submission).

Conditions:
Hereditary breast ovarian cancer syndrome. Also called: Hereditary breast and ovarian cancer; Hereditary breast and ovarian cancer syndrome (HBOC); Breast and ovarian cancer; Hereditary breast and/or ovarian cancer syndrome; BRCA1- and BRCA2-Associated Hereditary Breast and Ovarian Cancer; Hereditary breast and ovarian cancer syndrome. Identifiers: Orphanet 145, MedGen C0677776, MeSH D061325, MONDO:0003582. Disease mechanism: loss of function.

Submissions (2):

Labcorp Genetics (formerly Invitae), Labcorp
Classification: Likely benign for Hereditary breast ovarian cancer syndrome. Last evaluated: 2020-08-20. Review status: criteria provided, single submitter. Criteria: Invitae Variant Classification Sherloc (09022015). Collection method: clinical testing. Allele origin: germline.

Brotman Baty Institute, University of Washington
No classification provided (evidence only). Condition: Breast-ovarian cancer, familial 1. Review status: no classification provided. Collection method: in vitro. Allele origin: not applicable. Functional consequence: functionally_normal. Not counted in ClinVar's aggregate classification.
ClinVar note: "not provided" was previously submitted as the classification for the variant. However, the classification appeared to be based only on an observation of functional data so it was converted to no classification on 2025-07-30.

NM_007294.4(BRCA1):c.-4A>G

Gene: BRCA1 (BRCA1 DNA repair associated; minus strand). Cytogenetic location: 17q21.31.
Variant type: single nucleotide variant.
Coding change: c.-4A>G on transcript NM_007294.4 (MANE Select); 4 bases upstream of the start codon, A replaced by G.
Molecular consequence: 5 prime UTR variant. On other transcripts: non-coding transcript variant (1).
Genome position (GRCh38, 1-based): chr17:43,124,100, T>C on the plus strand (A>G on the coding strand, the complement: BRCA1 is on the minus strand). VCF-style: chr17-43124100-T-C. GRCh37 (hg19) VCF-style: chr17-41276117-T-C.
Other names: c.-4A>G (NM_001407991.1, NM_001407992.1, NM_001407993.1 and 193 more transcripts); c.-264A>G (NM_001408410.1, NM_001408452.1, NM_001408462.1 and 22 more transcripts); c.-91A>G (NM_001408454.1, NM_001408459.1, NM_001408460.1 and 23 more transcripts); c.-261A>G (NM_001408455.1, NM_001408456.1, NM_001408468.1 and 11 more transcripts); c.-265A>G (NM_001408465.1, NM_001407695.1); c.-192A>G (NM_001408478.1, NM_001408479.1, NM_001408480.1 and 46 more transcripts); c.-337A>G (NM_001408482.1); c.-308A>G (NM_001408492.1, NM_001407889.1); and 8 more.
Identifiers: ClinVar variation 869049 (VCV000869049.12), dbSNP rs1567823527, ClinGen allele CA916081138.